The following is an entry in ClinVar:

ClinVar aggregate classification (germline): Uncertain significance (1 of 4 stars; one submission).
ClinVar aggregate classification (oncogenicity): Uncertain significance (1 of 4 stars; one submission).

Conditions:
Aortic valve disease 1 (AOVD1). Identifiers: MedGen C3887892, MONDO:0024523, OMIM 109730.
Neoplasm. Also called: Neoplasms; Neoplasm (disease); tumor. Identifiers: MedGen C0027651, MeSH D009369, MONDO:0005070, HP:0002664.

Submissions (2):

Center for Genomic Medicine, Rigshospitalet, Copenhagen University Hospital
Classification: Uncertain significance for Neoplasm. Last evaluated: 2026-10-16. Review status: criteria provided, single submitter. Criteria: ClinGen/CGC/VICC Guidelines for Oncogenicity, 2022. Collection method: clinical testing. Allele origin: somatic. Affected: yes.

Baylor Genetics
Classification: Uncertain significance for Aortic valve disease 1. Last evaluated: 2018-03-21. Review status: criteria provided, single submitter. Criteria: ACMG Guidelines, 2015. Collection method: clinical testing. Allele origin: unknown. Affected: yes.
Comment: This variant was determined to be of uncertain significance according to ACMG Guidelines, 2015 [PMID:25741868].

NM_017617.5(NOTCH1):c.1070_1072del (p.Phe357del)

Gene: NOTCH1 (notch receptor 1; minus strand). Cytogenetic location: 9q34.3.
Variant type: Deletion.
Coding change: c.1070_1072del on transcript NM_017617.5 (MANE Select); coding-DNA positions 1070 to 1072, 3 bases deleted (TCT; older notation c.1070_1072delTCT).
Protein change: p.Phe357del; deletes phenylalanine 357.
Molecular consequence: inframe deletion.
Genome position (GRCh38, 1-based): chr9:136,518,618-136,518,620, AGA deleted on the plus strand (TCT on the coding strand, the reverse complement: NOTCH1 is on the minus strand); deleting any 3 consecutive bases within chr9:136,518,618-136,518,622 gives the same sequence; the c. name uses the placement nearest the transcript's 3' end. VCF-style (leftmost placement, unchanged base first): chr9-136518617-TAGA-T. GRCh37 (hg19) VCF-style: chr9-139413069-TAGA-T.
Other names: c.1070_1072delTCT (NM_017617.5); short protein forms F357del.
Identifiers: ClinVar variation 1033430 (VCV001033430.2), dbSNP rs1843316084, ClinGen allele CA645562540.